The following is an entry in ClinVar:

NM_001287491.2(TET3):c.304-315G>A

Genes: TET3 (tet methylcytosine dioxygenase 3; plus strand), LOC129934104 (ATAC-STARR-seq lymphoblastoid silent region 11650; plus strand). Cytogenetic location: 2p13.1.
Variant type: single nucleotide variant.
Coding change: c.304-315G>A on transcript NM_001287491.2 (MANE Select); 315 bases into the intron before coding-DNA position 304, G replaced by A.
Molecular consequence: intron variant. On other transcripts: synonymous variant (1).
Genome position (GRCh38, 1-based): chr2:74,002,795, G>A. VCF-style: chr2-74002795-G-A. GRCh37 (hg19) VCF-style: chr2-74229922-G-A.
Other names: c.18G>A, p.Pro6= (NM_001366022.1).
Identifiers: ClinVar variation 5039560 (VCV005039560.1).

ClinVar aggregate classification (germline): Likely benign (1 of 4 stars; one submission).

gnomAD v4.1: 12 of 568,922 alleles (0.0021%); highest among the groups gnomAD compares: Admixed American, 0.0095%; no homozygotes.

Submission:

CeGaT Center for Human Genetics Tuebingen
Classification: Likely benign. Last evaluated: 2026-08-01. Review status: criteria provided, single submitter. Criteria: CeGaT Center For Human Genetics Tuebingen Variant Classification Criteria Version 2. Collection method: clinical testing. Allele origin: germline. Affected: yes. Observed: 1 variant allele.
Comment: TET3: BP4, BP7